The following is an entry in ClinVar:

ClinVar aggregate classification (germline): Conflicting classifications of pathogenicity. Review status: criteria provided, conflicting classifications (1 of 4 stars). 3 submissions from 3 submitters: Uncertain significance (1); Likely benign (2). Last evaluated 2025-06-24.

Conditions:
Charcot-Marie-Tooth disease, type I (CMT1). Also called: Charcot-Marie-Tooth, Type 1; Charcot-Marie-Tooth disease type 1. Identifiers: Orphanet 65753, MedGen C0751036, MONDO:0019011.
Inborn genetic diseases. Identifiers: MedGen C0950123, MeSH D030342.

Allele frequency attached by ClinVar (database versions not stated): ExAC 0.00001; gnomAD 0.00001.

Submissions (3):

Mayo Clinic Laboratories, Mayo Clinic
Classification: Likely benign. Last evaluated: 2025-06-24. Review status: criteria provided, single submitter. Criteria: ACMG Guidelines, 2015. Collection method: clinical testing. Allele origin: germline. Observed: 1 variant allele.
Comment: BS4_moderate, BP4_moderate

Labcorp Genetics (formerly Invitae), Labcorp
Classification: Uncertain significance for Charcot-Marie-Tooth disease, type I. Last evaluated: 2023-03-07. Review status: criteria provided, single submitter. Criteria: Invitae Variant Classification Sherloc (09022015). Collection method: clinical testing. Allele origin: germline.
Comment: This sequence change replaces arginine, which is basic and polar, with glutamine, which is neutral and polar, at codon 45 of the MPZ protein (p.Arg45Gln). This variant is present in population databases (rs760227243, gnomAD 0.004%). This variant has not been reported in the literature in individuals affected with MPZ-related conditions. ClinVar contains an entry for this variant (Variation ID: 1009922). Advanced modeling of protein sequence and biophysical properties (such as structural, functional, and spatial information, amino acid conservation, physicochemical variation, residue mobility, and thermodynamic stability) performed at Invitae indicates that this missense variant is not expected to disrupt MPZ protein function. In summary, the available evidence is currently insufficient to determine the role of this variant in disease. Therefore, it has been classified as a Variant of Uncertain Significance.

Ambry Genetics
Classification: Likely benign for Inborn genetic diseases. Last evaluated: 2021-06-23. Review status: criteria provided, single submitter. Criteria: Ambry Variant Classification Scheme 2023. Collection method: clinical testing. Allele origin: germline.

Literature cited by the submitters: PubMed 10679959 (cited by Mayo Clinic Laboratories, Mayo Clinic); PubMed 11112514 (cited by Mayo Clinic Laboratories, Mayo Clinic).

NM_000530.8(MPZ):c.134G>A (p.Arg45Gln)

Gene: MPZ (myelin protein zero; minus strand). Cytogenetic location: 1q23.3.
Variant type: single nucleotide variant.
Coding change: c.134G>A on transcript NM_000530.8 (MANE Select); coding-DNA position 134, G replaced by A.
Protein change: p.Arg45Gln; replaces arginine 45 with glutamine.
Molecular consequence: missense variant.
Genome position (GRCh38, 1-based): chr1:161,307,358, C>T on the plus strand (G>A on the coding strand, the complement: MPZ is on the minus strand). VCF-style: chr1-161307358-C-T. GRCh37 (hg19) VCF-style: chr1-161277148-C-T.
Other names: p.Arg45Gln; c.134G>A, p.Arg45Gln (NM_001315491.2); short protein forms R45Q.
Identifiers: ClinVar variation 1009922 (VCV001009922.11), dbSNP rs760227243, ClinGen allele CA1210226.
Genomic context (GRCh38, chr1:161,307,358, plus strand): 5'-GTGAAGGAGATGTCATCTGAGACCCACTCACTGGACCAGAAGGAGCAGTGCAGGGTCACC[C>T]GGGAGCCCACAGCACCATGGACCTCCCTGTCGGTGTAAACCACGATGGCCTGGGCCGGGG-3'
Protein context (NP_000521.2, residues 35-55): DREVHGAVGS[Arg45Gln]VTLHCSFWSS